The following is an entry in ClinVar:

ClinVar aggregate classification (germline): Uncertain significance. Review status: criteria provided, multiple submitters, no conflicts (2 of 4 stars). 2 submissions from 2 submitters: Uncertain significance (2). Last evaluated 2026-07-28.

Conditions:
Inborn genetic diseases. Identifiers: MedGen C0950123, MeSH D030342.

gnomAD v4.1: 23 of 1,613,922 alleles (0.0014%); highest among the groups gnomAD compares: Non-Finnish European, 0.0014%; no homozygotes.

Submissions (2):

Ambry Genetics
Classification: Uncertain significance for Inborn genetic diseases. Last evaluated: 2026-07-28. Review status: criteria provided, single submitter. Criteria: Ambry Variant Classification Scheme 2023. Collection method: clinical testing. Allele origin: germline.

Labcorp Genetics (formerly Invitae), Labcorp
Classification: Uncertain significance. Last evaluated: 2024-08-22. Review status: criteria provided, single submitter. Criteria: Invitae Variant Classification Sherloc (09022015). Collection method: clinical testing. Allele origin: germline.
Comment: This sequence change replaces asparagine, which is neutral and polar, with histidine, which is basic and polar, at codon 713 of the MECOM protein (p.Asn713His). This variant is present in population databases (rs758423143, gnomAD 0.004%). This variant has not been reported in the literature in individuals affected with MECOM-related conditions. An algorithm developed to predict the effect of missense changes on protein structure and function (PolyPhen-2) suggests that this variant is likely to be disruptive. In summary, the available evidence is currently insufficient to determine the role of this variant in disease. Therefore, it has been classified as a Variant of Uncertain Significance.

NM_004991.4(MECOM):c.2701A>C (p.Asn901His)

Gene: MECOM (MDS1 and EVI1 complex locus; minus strand). Cytogenetic location: 3q26.2.
Variant type: single nucleotide variant.
Coding change: c.2701A>C on transcript NM_004991.4 (MANE Select); coding-DNA position 2701, A replaced by C.
Protein change: p.Asn901His; replaces asparagine 901 with histidine.
Molecular consequence: missense variant.
Genome position (GRCh38, 1-based): chr3:169,102,130, T>G on the plus strand (A>C on the coding strand, the complement: MECOM is on the minus strand). VCF-style: chr3-169102130-T-G. GRCh37 (hg19) VCF-style: chr3-168819918-T-G.
Other names: c.1138A>C, p.Asn380His (NM_001366474.2); c.2137A>C, p.Asn713His (NM_005241.4, NM_001366469.2, NM_001105078.4 and 1 more transcripts); c.2113A>C, p.Asn705His (NM_001366470.2, NM_001163999.2); c.2110A>C, p.Asn704His (NM_001366471.2, NM_001366472.2, NM_001164000.2); c.1702A>C, p.Asn568His (NM_001366473.2); c.2332A>C, p.Asn778His (NM_001105077.4); c.2674A>C, p.Asn892His (NM_001366466.2); c.2140A>C, p.Asn714His (NM_001366467.2, NM_001366468.2); short protein forms N714H, N778H, N380H, N901H, N713H, N568H, N704H, N705H.
Identifiers: ClinVar variation 3394318 (VCV003394318.4).